The following is an entry in ClinVar:

NM_152393.4(KLHL40):c.1498C>T (p.Arg500Cys)

Gene: KLHL40 (kelch like family member 40; plus strand). Cytogenetic location: 3p22.1.
Variant type: single nucleotide variant.
Coding change: c.1498C>T on transcript NM_152393.4 (MANE Select); coding-DNA position 1498, C replaced by T.
Protein change: p.Arg500Cys; replaces arginine 500 with cysteine.
Molecular consequence: missense variant.
Genome position (GRCh38, 1-based): chr3:42,688,945, C>T. VCF-style: chr3-42688945-C-T. GRCh37 (hg19) VCF-style: chr3-42730437-C-T.
Other names: short protein forms R500C.
Identifiers: ClinVar variation 423767 (VCV000423767.12), dbSNP rs758188096, ClinGen allele CA2336993.
Genomic context (GRCh38, chr3:42,688,945, plus strand): 5'-ATGTGCGTCTATGACCCCAAGAAGTTTGAGTGGAAGGAGCTGGCACCCATGCAGACCGCC[C>T]GCTCACTCTTTGGGGCCACTGTCCATGATGGCCGCATTATCGTGGCAGCTGGGGTCACCG-3'
Protein context (NP_689606.2, residues 490-510): WKELAPMQTA[Arg500Cys]SLFGATVHDG

ClinVar aggregate classification (germline): Pathogenic/Likely pathogenic. Review status: criteria provided, multiple submitters, no conflicts (2 of 4 stars). 3 submissions from 3 submitters: Pathogenic (1); Likely pathogenic (2). Last evaluated 2026-01-24.

Conditions:
Nemaline myopathy 8 (NEM8). Also called: Nemaline myopathy 8, autosomal recessive. Identifiers: Orphanet 171430, MedGen C3809209, MONDO:0014138, OMIM 615348.

Allele frequency attached by ClinVar (database versions not stated): ExAC 0.00001; gnomAD 0.00001; gnomAD exomes 0.00002; TOPMed 0.00003.
gnomAD v4.1: 20 of 1,613,992 alleles (0.0012%); highest among the groups gnomAD compares: African/African-American, 0.004%; no homozygotes.

Submissions (3):

Labcorp Genetics (formerly Invitae), Labcorp
Classification: Pathogenic for Nemaline myopathy 8. Last evaluated: 2026-01-24. Review status: criteria provided, single submitter. Criteria: Invitae Variant Classification Sherloc (09022015). Collection method: clinical testing. Allele origin: germline.
Comment: This sequence change replaces arginine, which is basic and polar, with cysteine, which is neutral and slightly polar, at codon 500 of the KLHL40 protein (p.Arg500Cys). This variant is present in population databases (rs758188096, gnomAD 0.007%). This missense change has been observed in individuals with autosomal recessive nemaline myopathy and congenital myopathy (PMID: 27528495; internal data). It has also been observed to segregate with disease in related individuals. ClinVar contains an entry for this variant (Variation ID: 423767). Invitae Evidence Modeling of protein sequence and biophysical properties (such as structural, functional, and spatial information, amino acid conservation, physicochemical variation, residue mobility, and thermodynamic stability) has been performed for this missense variant. However, the output from this modeling did not meet the statistical confidence thresholds required to predict the impact of this variant on KLHL40 protein function. Studies have shown that this missense change alters KLHL40 gene expression (PMID: 27528495). For these reasons, this variant has been classified as Pathogenic.

GeneDx
Classification: Likely pathogenic. Last evaluated: 2025-08-13. Review status: criteria provided, single submitter. Criteria: GeneDx Variant Classification Process June 2021. Collection method: clinical testing. Allele origin: germline. Affected: yes.
Comment: Published functional studies demonstrate a damaging effect with studies showing absent KLHL40 expression in muscle (PMID: 27528495); In silico analysis supports that this missense variant has a deleterious effect on protein structure/function; Not observed at significant frequency in large population cohorts (gnomAD); This variant is associated with the following publications: (PMID: 31060721, 27528495, 37025449, 36233295)

MGZ Medical Genetics Center
Classification: Likely pathogenic for Nemaline myopathy 8. Last evaluated: 2022-05-23. Review status: criteria provided, single submitter. Criteria: ACMG Guidelines, 2015. Collection method: clinical testing. Allele origin: germline. Affected: yes. Observed: 1 variant allele.
Comment: ACMG criteria applied: PS3, PS4_MOD, PM2_SUP, PP1, PP3

Literature cited by the submitters: PubMed 27528495 (cited by Labcorp Genetics (formerly Invitae), Labcorp).